The following is an entry in ClinVar:

ClinVar aggregate classification (germline): Uncertain significance (1 of 4 stars; one submission).

Conditions:
Hereditary sensory and autonomic neuropathy type 7. Also called: HSAN VII; Neuropathy, hereditary sensory and autonomic, type VII. Identifiers: Orphanet 391397, MedGen C3809882, MONDO:0014244, OMIM 615548.
Familial episodic pain syndrome with predominantly lower limb involvement. Also called: Episodic pain syndrome, familial, 3. Identifiers: Orphanet 391384, Orphanet 391392, MedGen C3809899, MONDO:0014247, OMIM 615552.

Allele frequency attached by ClinVar (database versions not stated): TOPMed below 0.00001.
gnomAD v4.1: 1 of 1,613,916 alleles (0.000062%); no homozygotes.

Submission:

Labcorp Genetics (formerly Invitae), Labcorp
Classification: Uncertain significance for Familial episodic pain syndrome with predominantly lower limb involvement; Hereditary sensory and autonomic neuropathy type 7. Last evaluated: 2022-11-28. Review status: criteria provided, single submitter. Criteria: Invitae Variant Classification Sherloc (09022015). Collection method: clinical testing. Allele origin: germline.
Comment: In summary, the available evidence is currently insufficient to determine the role of this variant in disease. Therefore, it has been classified as a Variant of Uncertain Significance. Algorithms developed to predict the effect of missense changes on protein structure and function (SIFT, PolyPhen-2, Align-GVGD) all suggest that this variant is likely to be tolerated. This variant has not been reported in the literature in individuals affected with SCN11A-related conditions. This variant is not present in population databases (gnomAD no frequency). This sequence change replaces glutamic acid, which is acidic and polar, with glycine, which is neutral and non-polar, at codon 46 of the SCN11A protein (p.Glu46Gly).

NM_001349253.2(SCN11A):c.137A>G (p.Glu46Gly)

Gene: SCN11A (sodium voltage-gated channel alpha subunit 11; minus strand). Cytogenetic location: 3p22.2.
Variant type: single nucleotide variant.
Coding change: c.137A>G on transcript NM_001349253.2 (MANE Select); coding-DNA position 137, A replaced by G.
Protein change: p.Glu46Gly; replaces glutamic acid 46 with glycine.
Molecular consequence: missense variant.
Genome position (GRCh38, 1-based): chr3:38,950,226, T>C on the plus strand (A>G on the coding strand, the complement: SCN11A is on the minus strand). VCF-style: chr3-38950226-T-C. GRCh37 (hg19) VCF-style: chr3-38991717-T-C.
Other names: c.137A>G, p.Glu46Gly (NM_014139.3); short protein forms E46G.
Identifiers: ClinVar variation 2147202 (VCV002147202.4), dbSNP rs977727408, ClinGen allele CA72994524.